The following is an entry in ClinVar:

ClinVar aggregate classification (germline): Uncertain significance (0 of 4 stars; one submission).

Submission:

Leiden Open Variation Database
Classification: Uncertain significance. Last evaluated: 2018-10-10. Review status: no assertion criteria provided. Collection method: curation. Allele origin: germline. Affected: yes.
Comment: Curators: Marc Tischkowitz, Arleen D. Auerbach. Submitter to LOVD: Yukihide Momozawa.

Literature cited by the submitters: PubMed 30287823.

NM_024675.4(PALB2):c.3424T>A (p.Leu1142Ile)

Gene: PALB2 (partner and localizer of BRCA2; minus strand). Cytogenetic location: 16p12.2.
Variant type: single nucleotide variant.
Coding change: c.3424T>A on transcript NM_024675.4 (MANE Select); coding-DNA position 3424, T replaced by A.
Protein change: p.Leu1142Ile; replaces leucine 1142 with isoleucine.
Molecular consequence: missense variant.
Genome position (GRCh38, 1-based): chr16:23,603,596, A>T on the plus strand (T>A on the coding strand, the complement: PALB2 is on the minus strand). VCF-style: chr16-23603596-A-T. GRCh37 (hg19) VCF-style: chr16-23614917-A-T.
Other names: short protein forms L1142I.
Identifiers: ClinVar variation 830206 (VCV000830206.1), dbSNP rs1966402545, ClinGen allele CA395138201.